The following is an entry in ClinVar:

ClinVar aggregate classification (germline): Uncertain significance (1 of 4 stars; one submission).

gnomAD v4.1: 1 of 1,611,094 alleles (0.000062%); highest among the groups gnomAD compares: Non-Finnish European, 0.000085%; no homozygotes.

Submission:

Ambry Genetics
Classification: Uncertain significance. Last evaluated: 2025-10-05. Review status: criteria provided, single submitter. Criteria: Ambry Variant Classification Scheme 2023. Collection method: clinical testing. Allele origin: germline.
Comment: The p.E239K variant (also known as c.715G>A), located in coding exon 7 of the STAP1 gene, results from a G to A substitution at nucleotide position 715. The glutamic acid at codon 239 is replaced by lysine, an amino acid with similar properties. This amino acid position is conserved. In addition, the in silico prediction for this alteration is inconclusive. Based on the available evidence, the clinical significance of this variant remains unclear.

NM_012108.4(STAP1):c.715G>A (p.Glu239Lys)

Gene: STAP1 (signal transducing adaptor family member 1; plus strand). Cytogenetic location: 4q13.2.
Variant type: single nucleotide variant.
Coding change: c.715G>A on transcript NM_012108.4 (MANE Select); coding-DNA position 715, G replaced by A.
Protein change: p.Glu239Lys; replaces glutamic acid 239 with lysine.
Molecular consequence: missense variant.
Genome position (GRCh38, 1-based): chr4:67,590,939, G>A. VCF-style: chr4-67590939-G-A. GRCh37 (hg19) VCF-style: chr4-68456657-G-A.
Other names: c.715G>A, p.Glu239Lys (NM_001317769.2); short protein forms E239K.
Identifiers: ClinVar variation 4590303 (VCV004590303.1).
Genomic context (GRCh38, chr4:67,590,939, plus strand): 5'-TGTAGCATTCCAAGAATCAAGCACTACAAAGTGATGAGCGTAGGACAAAACTACACTATT[G>A]AACTGGAAAAACCTGTAAGTAACTATTTTTGTTGTTGTTGATGAACTTCCTCCCGATTCC-3'
Protein context (NP_036240.1, residues 229-249): VMSVGQNYTI[Glu239Lys]LEKPVTLPNL